The following is an entry in ClinVar:

NM_001374828.1(ARID1B):c.1680G>C (p.Lys560Asn)

Gene: ARID1B (AT-rich interaction domain 1B; plus strand). Cytogenetic location: 6q25.3.
Variant type: single nucleotide variant.
Coding change: c.1680G>C on transcript NM_001374828.1 (MANE Select); coding-DNA position 1680, G replaced by C.
Protein change: p.Lys560Asn; replaces lysine 560 with asparagine.
Molecular consequence: missense variant.
Genome position (GRCh38, 1-based): chr6:156,779,360, G>C. VCF-style: chr6-156779360-G-C. GRCh37 (hg19) VCF-style: chr6-157100494-G-C.
Other names: c.1431G>C, p.Lys477Asn (NM_001346813.1, NM_020732.3); c.1680G>C, p.Lys560Asn (NM_001371656.1, NM_001374820.1, NM_017519.3); c.1257G>C, p.Lys419Asn (NM_175863.2); short protein forms K419N, K477N, K560N.
Identifiers: ClinVar variation 2628635 (VCV002628635.2), dbSNP rs1438046932, ClinGen allele CA366385370.

ClinVar aggregate classification (germline): Uncertain significance (1 of 4 stars; one submission).

Conditions:
ARID1B-Related Disorder. Identifiers: MedGen CN381337.

Submission:

PreventionGenetics, part of Exact Sciences
Classification: Uncertain significance for ARID1B-related condition. Last evaluated: 2025-05-06. Review status: criteria provided, single submitter. Criteria: ACMG Guidelines, 2015. Collection method: clinical testing. Allele origin: germline.
Comment: The ARID1B c.1431G>C variant is predicted to result in the amino acid substitution p.Lys477Asn. To our knowledge, this variant has not been reported in the literature or in a large population database (gnomAD), indicating this variant is rare. At this time, the clinical significance of this variant is uncertain due to the absence of conclusive functional and genetic evidence.